The following is an entry in ClinVar:

NM_006019.4(TCIRG1):c.2293_2314dup (p.Val772fs)

Gene: TCIRG1 (T cell immune regulator 1, ATPase H+ transporting V0 subunit a3; plus strand). Cytogenetic location: 11q13.2.
Variant type: Duplication.
Coding change: c.2293_2314dup on transcript NM_006019.4 (MANE Select); coding-DNA positions 2293 to 2314, 22 bases duplicated (GAGGTGGGCGTGGCGGCTGTGG).
Protein change: p.Val772fs; shifts the reading frame from valine 772.
Molecular consequence: frameshift variant.
Genome position (GRCh38, 1-based): chr11:68,050,543-68,050,564, GAGGTGGGCGTGGCGGCTGTGG duplicated; duplicating any 22 consecutive bases within chr11:68,050,541-68,050,564 gives the same sequence; the c. name uses the placement nearest the transcript's 3' end. VCF-style (leftmost placement, unchanged base first): chr11-68050540-C-CGGGAGGTGGGCGTGGCGGCTGT. GRCh37 (hg19) VCF-style: chr11-67818007-C-CGGGAGGTGGGCGTGGCGGCTGT.
Other names: c.1399_1420dup, p.Val474fs (NM_001351059.2); c.1645_1666dup, p.Val556fs (NM_006053.4); short protein forms V474fs, V556fs, V772fs.
Identifiers: ClinVar variation 2025317 (VCV002025317.4), dbSNP rs2495671299, ClinGen allele CA2580084668.

ClinVar aggregate classification (germline): Pathogenic (1 of 4 stars; one submission).

Submission:

Labcorp Genetics (formerly Invitae), Labcorp
Classification: Pathogenic. Last evaluated: 2022-08-20. Review status: criteria provided, single submitter. Criteria: Invitae Variant Classification Sherloc (09022015). Collection method: clinical testing. Allele origin: germline.
Comment: This sequence change results in a frameshift in the TCIRG1 gene (p.Val772Glyfs*66). While this is not anticipated to result in nonsense mediated decay, it is expected to disrupt the last 59 amino acid(s) of the TCIRG1 protein and extend the protein by 6 additional amino acid residues. This variant is not present in population databases (gnomAD no frequency). This variant has not been reported in the literature in individuals affected with TCIRG1-related conditions. Algorithms developed to predict the effect of sequence changes on RNA splicing suggest that this variant may create or strengthen a splice site. This variant disrupts a region of the TCIRG1 protein in which other variant(s) (p.Ala796Leufs*34) have been determined to be pathogenic (PMID: 30537558; Invitae). This suggests that this is a clinically significant region of the protein, and that variants that disrupt it are likely to be disease-causing. For these reasons, this variant has been classified as Pathogenic.

Literature cited by the submitters: PubMed 30537558.